The following is an entry in ClinVar:

NM_000135.4(FANCA):c.2444C>T (p.Pro815Leu)

Gene: FANCA (FA complementation group A; minus strand). Cytogenetic location: 16q24.3.
Variant type: single nucleotide variant.
Coding change: c.2444C>T on transcript NM_000135.4 (MANE Select); coding-DNA position 2444, C replaced by T.
Protein change: p.Pro815Leu; replaces proline 815 with leucine.
Molecular consequence: missense variant.
Genome position (GRCh38, 1-based): chr16:89,769,897, G>A on the plus strand (C>T on the coding strand, the complement: FANCA is on the minus strand). VCF-style: chr16-89769897-G-A. GRCh37 (hg19) VCF-style: chr16-89836305-G-A.
Other names: c.2444C>T, p.Pro815Leu (NM_001286167.3); short protein forms P815L.
Identifiers: ClinVar variation 2057490 (VCV002057490.2), dbSNP rs778009295, ClinGen allele CA8251726.

ClinVar aggregate classification (germline): Uncertain significance. Review status: criteria provided, multiple submitters, no conflicts (2 of 4 stars). 2 submissions from 2 submitters: Uncertain significance (2). Last evaluated 2023-03-07.

Conditions:
Fanconi anemia (FA). Also called: Fanconi's anemia. Identifiers: Orphanet 84, MedGen C0015625, MeSH D005199, MONDO:0019391.
FANCA-related disorder. Also called: FANCA-related condition.

Allele frequency attached by ClinVar (database versions not stated): ExAC 0.00001.
gnomAD v4.1: 11 of 1,614,108 alleles (0.00068%); highest among the groups gnomAD compares: South Asian, 0.0011%; no homozygotes.

Submissions (2):

PreventionGenetics, part of Exact Sciences
Classification: Uncertain significance for FANCA-related condition. Last evaluated: 2023-03-07. Review status: criteria provided, single submitter. Criteria: ACMG Guidelines, 2015. Collection method: clinical testing. Allele origin: germline.
Comment: The FANCA c.2444C>T variant is predicted to result in the amino acid substitution p.Pro815Leu. To our knowledge, this variant has not been reported in the literature. This variant is reported in 0.00088% of alleles in individuals of European (Non-Finnish) descent in gnomAD. At this time, the clinical significance of this variant is uncertain due to the absence of conclusive functional and genetic evidence.

Labcorp Genetics (formerly Invitae), Labcorp
Classification: Uncertain significance for Fanconi anemia. Last evaluated: 2021-09-01. Review status: criteria provided, single submitter. Criteria: Invitae Variant Classification Sherloc (09022015). Collection method: clinical testing. Allele origin: germline.
Comment: This sequence change replaces proline with leucine at codon 815 of the FANCA protein (p.Pro815Leu). The proline residue is weakly conserved and there is a moderate physicochemical difference between proline and leucine. This variant is present in population databases (rs778009295, ExAC 0.002%). This variant has not been reported in the literature in individuals affected with FANCA-related conditions. Advanced modeling of protein sequence and biophysical properties (such as structural, functional, and spatial information, amino acid conservation, physicochemical variation, residue mobility, and thermodynamic stability) performed at Invitae indicates that this missense variant is not expected to disrupt FANCA protein function. In summary, the available evidence is currently insufficient to determine the role of this variant in disease. Therefore, it has been classified as a Variant of Uncertain Significance.